The following is an entry in ClinVar:

ClinVar aggregate classification (germline): Uncertain significance (1 of 4 stars; one submission).

Allele frequency attached by ClinVar (database versions not stated): gnomAD exomes below 0.00001; TOPMed below 0.00001.
gnomAD v4.1: 2 of 1,613,448 alleles (0.00012%); highest among the groups gnomAD compares: Non-Finnish European, 0.00017%; no homozygotes.

Submission:

CeGaT Center for Human Genetics Tuebingen
Classification: Uncertain significance. Last evaluated: 2023-05-01. Review status: criteria provided, single submitter. Criteria: CeGaT Center For Human Genetics Tuebingen Variant Classification Criteria Version 2. Collection method: clinical testing. Allele origin: germline. Affected: yes. Observed: 1 variant allele.
Comment: KCNN2: PM2, PP2, PP3, PP4

NM_021614.4(KCNN2):c.1004A>G (p.His335Arg)

Gene: KCNN2 (potassium calcium-activated channel subfamily N member 2; plus strand). Cytogenetic location: 5q22.3.
Variant type: single nucleotide variant.
Coding change: c.1004A>G on transcript NM_021614.4 (MANE Select); coding-DNA position 1004, A replaced by G.
Protein change: p.His335Arg; replaces histidine 335 with arginine.
Molecular consequence: missense variant. On other transcripts: non-coding transcript variant (1).
Genome position (GRCh38, 1-based): chr5:114,363,143, A>G. VCF-style: chr5-114363143-A-G. GRCh37 (hg19) VCF-style: chr5-113698840-A-G.
Other names: c.1202A>G, p.His401Arg (NM_001372233.1); short protein forms H335R, H401R.
Identifiers: ClinVar variation 2571228 (VCV002571228.27), dbSNP rs1314537590, ClinGen allele CA360703753.